The following is an entry in ClinVar:

ClinVar aggregate classification (germline): Uncertain significance (1 of 4 stars; one submission).

Conditions:
Hereditary spastic paraplegia 7 (SPG7). Also called: SPASTIC PARAPLEGIA 7, AUTOSOMAL RECESSIVE, WITH OR WITHOUT CEREBELLAR ATAXIA; SPG7-related neurologic disorder; Spastic paraplegia 7; Hereditary spastic paraplegia Paraplegin type; Autosomal recessive spastic paraplegia type 7. Identifiers: Orphanet 99013, MedGen C1846564, MONDO:0011803, OMIM 607259.

Submission:

Labcorp Genetics (formerly Invitae), Labcorp
Classification: Uncertain significance for Hereditary spastic paraplegia 7. Last evaluated: 2025-03-31. Review status: criteria provided, single submitter. Criteria: Invitae Variant Classification Sherloc (09022015). Collection method: clinical testing. Allele origin: germline.
Comment: This variant, c.53_82del, results in the deletion of 10 amino acid(s) of the SPG7 protein (p.Gly18_Pro27del), but otherwise preserves the integrity of the reading frame. The frequency data for this variant in the population databases is considered unreliable, as metrics indicate poor data quality at this position in the gnomAD database. This variant has not been reported in the literature in individuals affected with SPG7-related conditions. Experimental studies and prediction algorithms are not available or were not evaluated, and the functional significance of this variant is currently unknown. This variant disrupts a region of the SPG7 protein in which other variant(s) (p.Pro27Arg) have been observed in individuals with SPG7-related conditions (internal data). This suggests that this is a clinically significant region of the protein, and that variants that disrupt it are likely to be disease-causing. In summary, the available evidence is currently insufficient to determine the role of this variant in disease. Therefore, it has been classified as a Variant of Uncertain Significance.

NM_003119.4(SPG7):c.53_82del (p.Gly18_Pro27del)

Genes: SPG7 (SPG7 matrix AAA peptidase subunit, paraplegin; plus strand), LOC130059818 (ATAC-STARR-seq lymphoblastoid silent region 7911; plus strand). Cytogenetic location: 16q24.3.
Variant type: Deletion.
Coding change: c.53_82del on transcript NM_003119.4 (MANE Select); coding-DNA positions 53 to 82, 30 bases deleted (GTCCTCGGCCGCTGTGGGGCCCAGGCCCGG).
Protein change: p.Gly18_Pro27del.
Molecular consequence: inframe deletion.
Genome position (GRCh38, 1-based): chr16:89,508,470-89,508,499, GTCCTCGGCCGCTGTGGGGCCCAGGCCCGG deleted; deleting any 30 consecutive bases within chr16:89,508,460-89,508,499 gives the same sequence; the c. name uses the placement nearest the transcript's 3' end. VCF-style (leftmost placement, unchanged base first): chr16-89508459-TCCAGGCCCGGGTCCTCGGCCGCTGTGGGGC-T. GRCh37 (hg19) VCF-style: chr16-89574867-TCCAGGCCCGGGTCCTCGGCCGCTGTGGGGC-T.
Other names: c.53_82del, p.Gly18_Pro27del (NM_001363850.1, NM_199367.3).
Identifiers: ClinVar variation 4751769 (VCV004751769.1).